The following is an entry in ClinVar:

ClinVar aggregate classification (germline): Conflicting classifications of pathogenicity. Review status: criteria provided, conflicting classifications (1 of 4 stars). 3 submissions from 3 submitters: Pathogenic (1); Uncertain significance (2). Last evaluated 2024-03-16.

Conditions:
Succinyl-CoA acetoacetate transferase deficiency (SCOTD). Also called: 3-Oxoacid CoA Transferase Deficiency; KETOACIDOSIS DUE TO SCOT DEFICIENCY; Succinyl CoA:3-oxoacid CoA transferase deficiency; SCOT DEFICIENCY; SUCCINYL-CoA:3-KETOACID CoA-TRANSFERASE DEFICIENCY. Identifiers: Orphanet 832, MedGen C0342792, MONDO:0009492, OMIM 245050.

Allele frequency attached by ClinVar (database versions not stated): TOPMed below 0.00001.

Submissions (3):

Labcorp Genetics (formerly Invitae), Labcorp
Classification: Uncertain significance for Succinyl-CoA acetoacetate transferase deficiency. Last evaluated: 2024-03-16. Review status: criteria provided, single submitter. Criteria: Invitae Variant Classification Sherloc (09022015). Collection method: clinical testing. Allele origin: germline.
Comment: This sequence change replaces valine, which is neutral and non-polar, with phenylalanine, which is neutral and non-polar, at codon 245 of the OXCT1 protein (p.Val245Phe). This variant is not present in population databases (gnomAD no frequency). This missense change has been observed in individual(s) with succinyl CoA:3-oxoacid CoA transferase deficiency (PMID: 31073471). ClinVar contains an entry for this variant (Variation ID: 167410). An algorithm developed to predict the effect of missense changes on protein structure and function (PolyPhen-2) suggests that this variant is likely to be disruptive. In summary, the available evidence is currently insufficient to determine the role of this variant in disease. Therefore, it has been classified as a Variant of Uncertain Significance.

Eurofins Ntd Llc (ga)
Classification: Uncertain significance. Last evaluated: 2014-01-02. Review status: criteria provided, single submitter. Criteria: EGL Classification Definitions 2015. Collection method: clinical testing. Allele origin: germline. Observed: 3 variant alleles, 3 homozygotes.

Clinical Genetics Service, Universitary Hospital 12 de Octubre
Classification: Pathogenic for Succinyl-CoA acetoacetate transferase deficiency. Review status: criteria provided, single submitter. Criteria: ACMG Guidelines, 2015. Collection method: clinical testing. Allele origin: germline. Affected: yes.

Literature cited by the submitters: PubMed 31073471 (cited by Labcorp Genetics (formerly Invitae), Labcorp).

NM_000436.4(OXCT1):c.733G>T (p.Val245Phe)

Gene: OXCT1 (3-oxoacid CoA-transferase 1; minus strand). Cytogenetic location: 5p13.1.
Variant type: single nucleotide variant.
Coding change: c.733G>T on transcript NM_000436.4 (MANE Select); coding-DNA position 733, G replaced by T.
Protein change: p.Val245Phe; replaces valine 245 with phenylalanine.
Molecular consequence: missense variant. On other transcripts: non-coding transcript variant (1).
Genome position (GRCh38, 1-based): chr5:41,807,438, C>A on the plus strand (G>T on the coding strand, the complement: OXCT1 is on the minus strand). VCF-style: chr5-41807438-C-A. GRCh37 (hg19) VCF-style: chr5-41807540-C-A.
Other names: c.733G>T (NM_000436.3); c.754G>T, p.Val252Phe (NM_001364299.2, NM_001364300.2); c.727G>T, p.Val243Phe (NM_001364301.2); c.733G>T, p.Val245Phe (NM_001364302.2); c.175G>T, p.Val59Phe (NM_001364303.2); short protein forms V245F, V252F, V243F, V59F.
Identifiers: ClinVar variation 167410 (VCV000167410.10), dbSNP rs727504063, ClinGen allele CA234477.